The following is an entry in ClinVar:

NC_012920.1(MT-ND5):m.13770C>A

Gene: MT-ND5 (mitochondrially encoded NADH dehydrogenase 5; plus strand).
Variant type: single nucleotide variant.
Genome position: chrM-13770-C-A.
Identifiers: ClinVar variation 693607 (VCV000693607.1), dbSNP rs1603224349, ClinGen allele CA414819444.

ClinVar aggregate classification (germline): Likely benign (1 of 4 stars; one submission).

Conditions:
Leigh syndrome (NULS). Also called: Leigh's necrotizing encephalopathy; Leigh's disease; Leigh's syndrome; LEIGH SYNDROME, NUCLEAR; Leigh Syndrome (mtDNA deletion); Leigh Disease. Identifiers: Orphanet 506, MedGen C2931891, MONDO:0009723, OMIM 256000.

Submission:

Wong Mito Lab, Molecular and Human Genetics, Baylor College of Medicine
Classification: Likely benign for Leigh syndrome. Last evaluated: 2019-10-17. Review status: criteria provided, single submitter. Criteria: Modified ACMG Guidelines (Unpublished). Collection method: clinical testing. Allele origin: germline.
Comment: The NC_012920.1:m.13770C>A (YP_003024036.1:p.Phe478Leu) variant in MTND5 gene is interpretated to be a Likely Benign variant based on the modified ACMG guidelines (unpublished). This variant meets the following evidence codes: BS4, BP4